The following is an entry in ClinVar:

NM_000612.6(IGF2):c.462del (p.His155fs)

Genes: IGF2 (insulin like growth factor 2; minus strand), INS-IGF2 (INS-IGF2 readthrough; minus strand). Cytogenetic location: 11p15.5.
Variant type: Deletion.
Coding change: c.462del on transcript NM_000612.6 (MANE Select); coding-DNA position 462, one base deleted (T; older notation c.462delT).
Protein change: p.His155fs; shifts the reading frame from histidine 155.
Molecular consequence: frameshift variant. On other transcripts: non-coding transcript variant (1).
Genome position (GRCh38, 1-based): chr11:2,133,068, A deleted on the plus strand (T on the coding strand, the reverse complement: IGF2 is on the minus strand). VCF-style (leftmost placement, unchanged base first): chr11-2133067-GA-G. GRCh37 (hg19) VCF-style: chr11-2154297-GA-G.
Other names: c.462del, p.His155fs (NM_001007139.6, NM_001291861.3, NM_001291862.3); c.630del, p.His211fs (NM_001127598.3); short protein forms H155fs, H211fs.
Identifiers: ClinVar variation 3620721 (VCV003620721.2).
Genomic context (GRCh38, chr11:2,133,067, plus strand): 5'-TCTCTGGGGGGGCGCCCCCGTGGGCGGGGTCTTGGGTGGGTAGAGCAATCAGGGGACGGT[GA>G]CGTTTGGCCTCCCTGAACGCCTCGAGCTCCTTGGCGAGCACGTGACCCCGGCGGGCACGC-3'

ClinVar aggregate classification (germline): Uncertain significance (1 of 4 stars; one submission).

Submission:

Labcorp Genetics (formerly Invitae), Labcorp
Classification: Uncertain significance. Last evaluated: 2025-01-06. Review status: criteria provided, single submitter. Criteria: Invitae Variant Classification Sherloc (09022015). Collection method: clinical testing. Allele origin: germline.
Comment: This sequence change creates a premature translational stop signal (p.His155Thrfs*4) in the IGF2 gene. While this is not anticipated to result in nonsense mediated decay, it is expected to disrupt the last 26 amino acid(s) of the IGF2 protein. This variant is present in population databases (no rsID available, gnomAD 0.007%). This variant has not been reported in the literature in individuals affected with IGF2-related conditions. Experimental studies and prediction algorithms are not available or were not evaluated, and the functional significance of this variant is currently unknown. In summary, the available evidence is currently insufficient to determine the role of this variant in disease. Therefore, it has been classified as a Variant of Uncertain Significance.